The following is an entry in ClinVar:

ClinVar aggregate classification (germline): Uncertain significance. Review status: criteria provided, multiple submitters, no conflicts (2 of 4 stars). 2 submissions from 2 submitters: Uncertain significance (2). Last evaluated 2023-06-13.

Conditions:
Inborn genetic diseases. Identifiers: MedGen C0950123, MeSH D030342.

Allele frequency attached by ClinVar (database versions not stated): gnomAD exomes below 0.00001; TOPMed below 0.00001; gnomAD 0.00001.
gnomAD v4.1: 2 of 1,613,884 alleles (0.00012%); highest among the groups gnomAD compares: African/African-American, 0.0013%; no homozygotes.

Submissions (2):

Women's Health and Genetics/Laboratory Corporation of America, LabCorp
Classification: Uncertain significance. Last evaluated: 2023-06-13. Review status: criteria provided, single submitter. Criteria: LabCorp Variant Classification Summary - May 2015. Collection method: clinical testing. Allele origin: germline.
Comment: Variant summary: LMNB1 c.506A>G (p.Gln169Arg) results in a conservative amino acid change located in the Intermediate filament, rod domain (IPR039008) of the encoded protein sequence. Four of five in-silico tools predict a benign effect of the variant on protein function. The variant allele was found at a frequency of 6.6e-06 in 151026 control chromosomes (i.e. 1 carrier, in the gnomAD v3.1, genomes dataset). The available data on variant occurrences in the general population are insufficient to allow any conclusion about variant significance. To our knowledge, no occurrence of c.506A>G in individuals affected with LMNB1-Related Disorders and no experimental evidence demonstrating its impact on protein function have been reported. One clinical diagnostic laboratory has submitted clinical-significance assessments for this variant to ClinVar after 2014 without evidence for independent evaluation. One laboratory classified the variant as uncertain significance. Based on the evidence outlined above, the variant was classified as uncertain significance.

Ambry Genetics
Classification: Uncertain significance for Inborn genetic diseases. Last evaluated: 2022-02-10. Review status: criteria provided, single submitter. Criteria: Ambry Variant Classification Scheme 2023. Collection method: clinical testing. Allele origin: germline.

NM_005573.4(LMNB1):c.506A>G (p.Gln169Arg)

Gene: LMNB1 (lamin B1; plus strand). Cytogenetic location: 5q23.2.
Variant type: single nucleotide variant.
Coding change: c.506A>G on transcript NM_005573.4 (MANE Select); coding-DNA position 506, A replaced by G.
Protein change: p.Gln169Arg; replaces glutamine 169 with arginine.
Molecular consequence: missense variant. On other transcripts: 5 prime UTR variant (1), non-coding transcript variant (1).
Genome position (GRCh38, 1-based): chr5:126,804,922, A>G. VCF-style: chr5-126804922-A-G. GRCh37 (hg19) VCF-style: chr5-126140614-A-G.
Other names: c.-125A>G (NM_001198557.2); short protein forms Q169R.
Identifiers: ClinVar variation 2276889 (VCV002276889.3), dbSNP rs1751377977, ClinGen allele CA360717631.